The following is an entry in ClinVar:

NM_006231.4(POLE):c.112A>T (p.Ser38Cys)

Gene: POLE (DNA polymerase epsilon, catalytic subunit; minus strand). Cytogenetic location: 12q24.33.
Variant type: single nucleotide variant.
Coding change: c.112A>T on transcript NM_006231.4 (MANE Select); coding-DNA position 112, A replaced by T.
Protein change: p.Ser38Cys; replaces serine 38 with cysteine.
Molecular consequence: missense variant.
Genome position (GRCh38, 1-based): chr12:132,681,230, T>A on the plus strand (A>T on the coding strand, the complement: POLE is on the minus strand). VCF-style: chr12-132681230-T-A. GRCh37 (hg19) VCF-style: chr12-133257816-T-A.
Other names: short protein forms S38C.
Identifiers: ClinVar variation 246414 (VCV000246414.12), dbSNP rs879254247, ClinGen allele CA10584416.

ClinVar aggregate classification (germline): Conflicting classifications of pathogenicity. Review status: criteria provided, conflicting classifications (1 of 4 stars). 3 submissions from 3 submitters: Uncertain significance (2); Likely benign (1). Last evaluated 2025-06-08.

Conditions:
Hereditary cancer-predisposing syndrome. Also called: Hereditary neoplastic syndrome; Neoplastic Syndromes, Hereditary; Tumor predisposition; Hereditary Cancer Syndrome. Identifiers: Orphanet 140162, MedGen C0027672, MeSH D009386, MONDO:0015356.

Allele frequency attached by ClinVar (database versions not stated): gnomAD exomes below 0.00001.
gnomAD v4.1: 3 of 1,614,190 alleles (0.00019%); highest among the groups gnomAD compares: Non-Finnish European, 0.000085%; no homozygotes.

Submissions (3):

Labcorp Genetics (formerly Invitae), Labcorp
Classification: Uncertain significance. Last evaluated: 2025-06-08. Review status: criteria provided, single submitter. Criteria: Invitae Variant Classification Sherloc (09022015). Collection method: clinical testing. Allele origin: germline.
Comment: This sequence change replaces serine, which is neutral and polar, with cysteine, which is neutral and slightly polar, at codon 38 of the POLE protein (p.Ser38Cys). This variant is not present in population databases (gnomAD no frequency). This variant has not been reported in the literature in individuals affected with POLE-related conditions. ClinVar contains an entry for this variant (Variation ID: 246414). Invitae Evidence Modeling of protein sequence and biophysical properties (such as structural, functional, and spatial information, amino acid conservation, physicochemical variation, residue mobility, and thermodynamic stability) indicates that this missense variant is not expected to disrupt POLE protein function with a negative predictive value of 80%. In summary, the available evidence is currently insufficient to determine the role of this variant in disease. Therefore, it has been classified as a Variant of Uncertain Significance.

Ambry Genetics
Classification: Likely benign for Hereditary cancer-predisposing syndrome. Last evaluated: 2025-05-06. Review status: criteria provided, single submitter. Criteria: Ambry Variant Classification Scheme 2023. Collection method: clinical testing. Allele origin: germline.

GeneDx
Classification: Uncertain significance. Last evaluated: 2023-01-03. Review status: criteria provided, single submitter. Criteria: GeneDx Variant Classification Process June 2021. Collection method: clinical testing. Allele origin: germline. Affected: yes.
Comment: Has not been previously published as pathogenic or benign to our knowledge; Not observed in large population cohorts (gnomAD); In silico analysis supports that this missense variant does not alter protein structure/function